The following is an entry in ClinVar:

NM_001868.4(CPA1):c.517T>G (p.Trp173Gly)

Gene: CPA1 (carboxypeptidase A1; plus strand). Cytogenetic location: 7q32.2.
Variant type: single nucleotide variant.
Coding change: c.517T>G on transcript NM_001868.4 (MANE Select); coding-DNA position 517, T replaced by G.
Protein change: p.Trp173Gly; replaces tryptophan 173 with glycine.
Molecular consequence: missense variant.
Genome position (GRCh38, 1-based): chr7:130,383,424, T>G. VCF-style: chr7-130383424-T-G. GRCh37 (hg19) VCF-style: chr7-130023265-T-G.
Other names: short protein forms W173G.
Identifiers: ClinVar variation 4869355 (VCV004869355.1).

ClinVar aggregate classification (germline): Uncertain significance (1 of 4 stars; one submission).

Conditions:
Hereditary pancreatitis (PCTT). Also called: Hereditary chronic pancreatitis; PRSS1-Related Hereditary Pancreatitis. Identifiers: Orphanet 676, MedGen C0238339, MONDO:0008185, OMIM 167800.

Submission:

Ambry Genetics
Classification: Uncertain significance for Hereditary pancreatitis. Last evaluated: 2026-03-18. Review status: criteria provided, single submitter. Criteria: Ambry Variant Classification Scheme 2023. Collection method: clinical testing. Allele origin: germline.
Comment: The p.W173G variant (also known as c.517T>G), located in coding exon 5 of the CPA1 gene, results from a T to G substitution at nucleotide position 517. The tryptophan at codon 173 is replaced by glycine, an amino acid with highly dissimilar properties. This amino acid position is conserved. In addition, the in silico prediction for this alteration is inconclusive. Based on the available evidence, the clinical significance of this variant remains unclear.